The following is an entry in ClinVar:

NM_001127178.3(PIGG):c.1309G>A (p.Val437Met)

Gene: PIGG (phosphatidylinositol glycan anchor biosynthesis class G (EMM blood group); plus strand). Cytogenetic location: 4p16.3.
Variant type: single nucleotide variant.
Coding change: c.1309G>A on transcript NM_001127178.3 (MANE Select); coding-DNA position 1309, G replaced by A.
Protein change: p.Val437Met; replaces valine 437 with methionine.
Molecular consequence: missense variant. On other transcripts: non-coding transcript variant (6), splice donor variant (3), intron variant (4).
Genome position (GRCh38, 1-based): chr4:521,250, G>A. VCF-style: chr4-521250-G-A. GRCh37 (hg19) VCF-style: chr4-515039-G-A.
Other names: c.1309G>A (NM_001127178.1); c.1042G>A, p.Val348Met (NM_001289051.2, NM_001289053.2, NM_001345986.2); c.910G>A, p.Val304Met (NM_001289052.2); c.280G>A, p.Val94Met (NM_001345988.2); c.1309G>A, p.Val437Met (NM_001345989.2); c.234+1G>A (NM_001345994.2); c.1041+1G>A (NM_001345987.2); c.-202+23G>A (NM_001345991.2, NM_001345990.2); and 3 more; short protein forms V437M, V304M, V348M, V94M.
Identifiers: ClinVar variation 1369539 (VCV001369539.9), dbSNP rs781604169, ClinGen allele CA2793272.
Genomic context (GRCh38, chr4:521,250, plus strand): 5'-AAGACGCTGAGCTTGTCCCTGAGTGCACAAGTGGCCCAGTACGACATCTATTCGATGATG[G>A]TGGGGACTGTCGTGGTTTTGGAGGTACAGATGCTCACACAGTCATGGCTCAGGTGTTGCA-3'
Protein context (NP_001120650.1, residues 427-447): VAQYDIYSMM[Val437Met]GTVVVLEVLT

ClinVar aggregate classification (germline): Uncertain significance. Review status: criteria provided, multiple submitters, no conflicts (2 of 4 stars). 2 submissions from 2 submitters: Uncertain significance (2). Last evaluated 2025-07-16.

Conditions:
Intellectual disability, autosomal recessive 53 (NEDHSCA). Also called: GLYCOSYLPHOSPHATIDYLINOSITOL BIOSYNTHESIS DEFECT 13; Mental retardation, autosomal recessive 53; NEURODEVELOPMENTAL DISORDER WITH OR WITHOUT HYPOTONIA, SEIZURES, AND CEREBELLAR ATROPHY. Identifiers: Orphanet 488635, MedGen C4310794, MONDO:0014832, OMIM 616917.
Inborn genetic diseases. Identifiers: MedGen C0950123, MeSH D030342.

Allele frequency attached by ClinVar (database versions not stated): gnomAD exomes 0.00006; ExAC 0.00009.
gnomAD v4.1: 48 of 1,613,682 alleles (0.003%); highest among the groups gnomAD compares: South Asian, 0.053%; no homozygotes.

Submissions (2):

Ambry Genetics
Classification: Uncertain significance for Inborn genetic diseases. Last evaluated: 2025-07-16. Review status: criteria provided, single submitter. Criteria: Ambry Variant Classification Scheme 2023. Collection method: clinical testing. Allele origin: germline.

Labcorp Genetics (formerly Invitae), Labcorp
Classification: Uncertain significance for Intellectual disability, autosomal recessive 53. Last evaluated: 2022-11-01. Review status: criteria provided, single submitter. Criteria: Invitae Variant Classification Sherloc (09022015). Collection method: clinical testing. Allele origin: germline.
Comment: This sequence change replaces valine, which is neutral and non-polar, with methionine, which is neutral and non-polar, at codon 437 of the PIGG protein (p.Val437Met). This variant is present in population databases (rs781604169, gnomAD 0.05%). This variant has not been reported in the literature in individuals affected with PIGG-related conditions. ClinVar contains an entry for this variant (Variation ID: 1369539). Algorithms developed to predict the effect of missense changes on protein structure and function are either unavailable or do not agree on the potential impact of this missense change (SIFT: "Deleterious"; PolyPhen-2: "Possibly Damaging"; Align-GVGD: "Class C0"). Algorithms developed to predict the effect of sequence changes on RNA splicing suggest that this variant may disrupt the consensus splice site. In summary, the available evidence is currently insufficient to determine the role of this variant in disease. Therefore, it has been classified as a Variant of Uncertain Significance.